The following is an entry in ClinVar:

NM_001384732.1(CPLANE1):c.5651A>C (p.Lys1884Thr)

Gene: CPLANE1 (ciliogenesis and planar polarity effector complex subunit 1; minus strand). Cytogenetic location: 5p13.2.
Variant type: single nucleotide variant.
Coding change: c.5651A>C on transcript NM_001384732.1 (MANE Select); coding-DNA position 5651, A replaced by C.
Protein change: p.Lys1884Thr; replaces lysine 1884 with threonine.
Molecular consequence: missense variant.
Genome position (GRCh38, 1-based): chr5:37,180,103, T>G on the plus strand (A>C on the coding strand, the complement: CPLANE1 is on the minus strand). VCF-style: chr5-37180103-T-G. GRCh37 (hg19) VCF-style: chr5-37180205-T-G.
Other names: c.5651A>C, p.Lys1884Thr (NM_023073.4); short protein forms K1884T.
Identifiers: ClinVar variation 387706 (VCV000387706.10), dbSNP rs373865796, ClinGen allele CA3238488.

ClinVar aggregate classification (germline): Uncertain significance. Review status: criteria provided, multiple submitters, no conflicts (2 of 4 stars). 3 submissions from 3 submitters: Uncertain significance (3). Last evaluated 2026-02-10.

Conditions:
Joubert syndrome 17 (JBTS17). Identifiers: Orphanet 475, MedGen C3553264, MONDO:0013824, OMIM 614615.
Orofaciodigital syndrome type 6 (OFD6). Also called: Oral-facial-digital syndrome type 6; Central polydactyly cleft lip/palate or lingual lump and psychomotor retardation; Y-shaped central metacarpal and cerebellar defect; Joubert syndrome with orofacialdigital anomalies; OROFACIODIGITAL SYNDROME VI; OFDS VI. Identifiers: Orphanet 2754, MedGen C2745997, MONDO:0010176, OMIM 277170.

Allele frequency attached by ClinVar (database versions not stated): gnomAD exomes 0.00001 and 0.00004; ExAC 0.00004; ESP Exome Variant Server 0.00008; TOPMed 0.00012; gnomAD 0.00015 and 0.00019.
gnomAD v4.1: 40 of 1,565,646 alleles (0.0026%); highest among the groups gnomAD compares: African/African-American, 0.052%; no homozygotes.

Submissions (3):

GeneDx
Classification: Uncertain significance. Last evaluated: 2026-02-10. Review status: criteria provided, single submitter. Criteria: GeneDx Variant Classification Process June 2021. Collection method: clinical testing. Allele origin: germline. Affected: yes.
Comment: In silico analysis suggests that this missense variant does not alter protein structure/function; Has not been previously published as pathogenic or benign to our knowledge

Labcorp Genetics (formerly Invitae), Labcorp
Classification: Uncertain significance. Last evaluated: 2023-10-30. Review status: criteria provided, single submitter. Criteria: Invitae Variant Classification Sherloc (09022015). Collection method: clinical testing. Allele origin: germline.
Comment: This sequence change replaces lysine, which is basic and polar, with threonine, which is neutral and polar, at codon 1884 of the CPLANE1 protein (p.Lys1884Thr). This variant is present in population databases (rs373865796, gnomAD 0.06%). This variant has not been reported in the literature in individuals affected with CPLANE1-related conditions. ClinVar contains an entry for this variant (Variation ID: 387706). Advanced modeling of protein sequence and biophysical properties (such as structural, functional, and spatial information, amino acid conservation, physicochemical variation, residue mobility, and thermodynamic stability) performed at Invitae indicates that this missense variant is not expected to disrupt CPLANE1 protein function with a negative predictive value of 95%. In summary, the available evidence is currently insufficient to determine the role of this variant in disease. Therefore, it has been classified as a Variant of Uncertain Significance.

Fulgent Genetics
Classification: Uncertain significance for Orofaciodigital syndrome type 6; Joubert syndrome 17. Last evaluated: 2022-02-02. Review status: criteria provided, single submitter. Criteria: ACMG Guidelines, 2015. Collection method: clinical testing. Allele origin: unknown.